The following is an entry in ClinVar:

NM_001040108.2(MLH3):c.4314T>C (p.Asp1438=)

Gene: MLH3 (mutL homolog 3; minus strand). Cytogenetic location: 14q24.3.
Variant type: single nucleotide variant.
Coding change: c.4314T>C on transcript NM_001040108.2 (MANE Select); coding-DNA position 4314, T replaced by C.
Protein change: p.Asp1438=; no amino-acid change (aspartic acid 1438 retained).
Molecular consequence: synonymous variant.
Genome position (GRCh38, 1-based): chr14:75,017,130, A>G on the plus strand (T>C on the coding strand, the complement: MLH3 is on the minus strand). VCF-style: chr14-75017130-A-G. GRCh37 (hg19) VCF-style: chr14-75483833-A-G.
Other names: c.4242T>C, p.Asp1414= (NM_014381.3).
Identifiers: ClinVar variation 4055528 (VCV004055528.2).

ClinVar aggregate classification (germline): Benign/Likely benign. Review status: criteria provided, multiple submitters, no conflicts (2 of 4 stars). 2 submissions from 2 submitters: Benign (1); Likely benign (1). Last evaluated 2026-05-06.

Conditions:
Colorectal cancer, hereditary nonpolyposis, type 7. Identifiers: Orphanet 144, MedGen C1858380, MONDO:0013725, OMIM 614385.

Submissions (2):

Myriad Genetics, Inc.
Classification: Benign for Colorectal cancer, hereditary nonpolyposis, type 7. Last evaluated: 2026-05-06. Review status: criteria provided, single submitter. Criteria: Myriad Autosomal Dominant, Autosomal Recessive and X-Linked Classification Criteria (2023). Collection method: clinical testing. Allele origin: unknown.
Comment: This variant is considered benign. This variant is a silent/synonymous amino acid change and it is not expected to impact splicing.

Ambry Genetics
Classification: Likely benign. Last evaluated: 2025-06-14. Review status: criteria provided, single submitter. Criteria: Ambry Variant Classification Scheme 2023. Collection method: clinical testing. Allele origin: germline.